The following is an entry in ClinVar:

ClinVar aggregate classification (germline): Likely pathogenic (1 of 4 stars; one submission).

Conditions:
Fanconi anemia (FA). Also called: Fanconi's anemia. Identifiers: Orphanet 84, MedGen C0015625, MeSH D005199, MONDO:0019391.

Submission:

Labcorp Genetics (formerly Invitae), Labcorp
Classification: Likely pathogenic for Fanconi anemia. Last evaluated: 2023-10-27. Review status: criteria provided, single submitter. Criteria: Invitae Variant Classification Sherloc (09022015). Collection method: clinical testing. Allele origin: germline.
Comment: This sequence change affects an acceptor splice site in intron 2 of the FANCG gene. It is expected to disrupt RNA splicing. Variants that disrupt the donor or acceptor splice site typically lead to a loss of protein function (PMID: 16199547), and loss-of-function variants in FANCG are known to be pathogenic (PMID: 12552564). This variant is not present in population databases (gnomAD no frequency). This variant has not been reported in the literature in individuals affected with FANCG-related conditions. ClinVar contains an entry for this variant (Variation ID: 1503840). Algorithms developed to predict the effect of sequence changes on RNA splicing suggest that this variant may disrupt the consensus splice site. In summary, the currently available evidence indicates that the variant is pathogenic, but additional data are needed to prove that conclusively. Therefore, this variant has been classified as Likely Pathogenic.

Literature cited by the submitters: PubMed 16199547; PubMed 12552564.

NM_004629.2(FANCG):c.176-1G>A

Gene: FANCG (FA complementation group G; minus strand). Cytogenetic location: 9p13.3.
Variant type: single nucleotide variant.
Coding change: c.176-1G>A on transcript NM_004629.2 (MANE Select); the canonical splice acceptor site of the intron before coding-DNA position 176, G replaced by A.
Molecular consequence: splice acceptor variant.
Genome position (GRCh38, 1-based): chr9:35,078,737, C>T on the plus strand (G>A on the coding strand, the complement: FANCG is on the minus strand). VCF-style: chr9-35078737-C-T. GRCh37 (hg19) VCF-style: chr9-35078734-C-T.
Identifiers: ClinVar variation 1503840 (VCV001503840.6), dbSNP rs2131059176, ClinGen allele CA373315505.